The following is an entry in ClinVar:

ClinVar aggregate classification (germline): Pathogenic. Review status: criteria provided, single submitter (1 of 4 stars). 2 submissions from 2 submitters: Pathogenic (1). 1 of the submissions does not count toward it. Last evaluated 2024-05-24.

Conditions:
Nephronophthisis-like nephropathy 1 (NPHPL1). Identifiers: Orphanet 655, MedGen C3150419, MONDO:0013163, OMIM 613159.

Allele frequency attached by ClinVar (database versions not stated): TOPMed 0.00001; ExAC 0.00005.
gnomAD v4.1: 38 of 1,613,860 alleles (0.0024%); highest among the groups gnomAD compares: Non-Finnish European, 0.00017%; 1 homozygote.

Submissions (2):

Women's Health and Genetics/Laboratory Corporation of America, LabCorp
Classification: Pathogenic for Nephronophthisis-like nephropathy 1. Last evaluated: 2024-05-24. Review status: criteria provided, single submitter. Criteria: LabCorp Variant Classification Summary - May 2015. Collection method: clinical testing. Allele origin: germline.
Comment: Variant summary: XPNPEP3 c.1357G>T (p.Gly453Cys) results in a non-conservative amino acid change located in the Peptidase M24 domain (IPR000994) of the encoded protein sequence. Five of five in-silico tools predict a damaging effect of the variant on protein function. Several computational tools predict a significant impact on normal splicing: Four predict the variant weakens a 5' donor site. At least one publication reports experimental evidence that this variant affects mRNA splicing, resulting in the inclusion of 31 nucleotides from intron 9 (O'Toole_2010). The variant allele was found at a frequency of 2.4e-05 in 1613860 control chromosomes in the gnomAD database, including 1 homozygote. This frequency is not significantly higher than estimated for a pathogenic variant in XPNPEP3 causing Nephronophthisis-Like Nephropathy 1, allowing no conclusion about variant significance. c.1357G>T has been reported in the literature in multiple homozygous individuals from a family affected with Nephronophthisis-Like Nephropathy 1 (O'Toole_2010). These data indicate that the variant is very likely to be associated with disease. The following publication has been ascertained in the context of this evaluation (PMID: 20179356). ClinVar contains an entry for this variant (Variation ID: 51). Based on the evidence outlined above, the variant was classified as pathogenic.

OMIM
Classification: Pathogenic for NEPHRONOPHTHISIS-LIKE NEPHROPATHY 1. Last evaluated: 2010-03-01. Review status: no assertion criteria provided. Collection method: literature only. Allele origin: germline. Not counted in ClinVar's aggregate classification.

Literature cited by the submitters: PubMed 20179356 (cited by Women's Health and Genetics/Laboratory Corporation of America, LabCorp and OMIM).

NM_022098.4(XPNPEP3):c.1357G>T (p.Gly453Cys)

Gene: XPNPEP3 (X-prolyl aminopeptidase 3; plus strand). Cytogenetic location: 22q13.2.
Variant type: single nucleotide variant.
Coding change: c.1357G>T on transcript NM_022098.4 (MANE Select); coding-DNA position 1357, G replaced by T.
Protein change: p.Gly453Cys; replaces glycine 453 with cysteine.
Molecular consequence: missense variant.
Genome position (GRCh38, 1-based): chr22:40,924,482, G>T. VCF-style: chr22-40924482-G-T. GRCh37 (hg19) VCF-style: chr22-41320486-G-T.
Other names: short protein forms G453C.
Identifiers: ClinVar variation 51 (VCV000000051.3), dbSNP rs267607179, ClinGen allele CA113823.